The following is an entry in ClinVar:

ClinVar aggregate classification (germline): Pathogenic. Review status: criteria provided, multiple submitters, no conflicts (2 of 4 stars). 5 submissions from 5 submitters: Pathogenic (3). 2 of the submissions do not count toward it. Last evaluated 2026-06-23.

Conditions:
Germ cell tumor of testis (TGCT). Also called: GERM CELL TUMOR, SOMATIC; Testicular germ cell tumor. Identifiers: Orphanet 363504, MedGen C1336708, MONDO:0010108, OMIM 273300.
Colorectal cancer. Also called: Malignant Colorectal Neoplasm; Colorectal cancer, somatic. Identifiers: MedGen C0346629, MONDO:0005575, OMIM 114500.
Epidermal nevus. Also called: NEVUS, KERATINOCYTIC, NONEPIDERMOLYTIC; Nevus, epidermal, somatic. Identifiers: Orphanet 79414, MedGen C0334082, MONDO:0008093, OMIM 162900, HP:0010816.
Thanatophoric dysplasia type 1 (TD1). Also called: Thanatophoric Dysplasia Type 1 (TD Type 1); LETHAL SHORT-LIMBED PLATYSPONDYLIC DWARFISM, SAN DIEGO TYPE; PLATYSPONDYLIC LETHAL SKELETAL DYSPLASIA, SAN DIEGO TYPE. Identifiers: Orphanet 1860, Orphanet 2655, MedGen C1868678, MONDO:0008546, OMIM 187600. Disease mechanism: gain of function.
Thanatophoric dysplasia, type 2 (TD2). Also called: Thanatophoric Dysplasia Type 2 (TD Type 2); CLOVERLEAF SKULL WITH THANATOPHORIC DWARFISM; THANATOPHORIC DYSPLASIA WITH KLEEBLATTSCHAEDEL; THANATOPHORIC DYSPLASIA WITH STRAIGHT FEMURS AND CLOVERLEAF SKULL. Identifiers: Orphanet 2655, Orphanet 93274, MedGen C1300257, MONDO:0008547, OMIM 187601. Disease mechanism: gain of function.
Severe achondroplasia-developmental delay-acanthosis nigricans syndrome. Also called: Severe achondroplasia with developmental delay and acanthosis nigricans; SADDAN dysplasia. Identifiers: Orphanet 85165, MedGen C2674173, MONDO:0014658, OMIM 616482.
Muenke syndrome (MNKES). Also called: MUENKE NONSYNDROMIC CORONAL CRANIOSYNOSTOSIS. Identifiers: Orphanet 53271, MedGen C1864436, MONDO:0011274, OMIM 602849.
Cervical cancer. Also called: Cervix cancer; Cervical cancer, somatic; Cancer of cervix. Identifiers: MedGen C4048328, MONDO:0002974, OMIM 603956, HP:0030079.
Hypochondroplasia (HCH). Identifiers: Orphanet 429, MedGen C0410529, MONDO:0007793, OMIM 146000. Disease mechanism: gain of function.
Malignant tumor of urinary bladder. Also called: Urinary bladder cancer; Urinary Bladder Neoplasms; Bladder cancer. Identifiers: MedGen C0005684, MONDO:0001187, OMIM 109800.
Crouzon syndrome-acanthosis nigricans syndrome. Also called: CROUZONODERMOSKELETAL SYNDROME. Identifiers: Orphanet 93262, MedGen C2677099, MONDO:0012833, OMIM 612247.
Camptodactyly-tall stature-scoliosis-hearing loss syndrome. Also called: CATSHL SYNDROME. Identifiers: Orphanet 85164, MedGen C1864852, MONDO:0012504, OMIM 610474.
Achondroplasia (ACH). Also called: Achondroplastic dwarfism. Identifiers: Orphanet 15, MedGen C0001080, MONDO:0007037, OMIM 100800. Disease mechanism: gain of function.
Levy-Hollister syndrome (LADD). Also called: LADD syndrome. Identifiers: Orphanet 2363, MedGen C0265269, MONDO:0007872.
FGFR3-related chondrodysplasia. Identifiers: Orphanet 93420, MedGen C5681604, MONDO:0019685.

Submissions (5):

Genomenon, Inc
Classification: Pathogenic for FGFR3-related chondrodysplasia. Last evaluated: 2026-06-23. Review status: criteria provided, single submitter. Criteria: Genomenon Sequence Variant Interpretation Standards - Updated. Collection method: curation. Allele origin: germline. Affected: yes.
Comment: FGFR3 p.Ter807ArgextTer101 (c.2419T>A) is a stop-loss variant that results in a C-terminal protein extension. This variant has been observed in at least one proband with an FGFR3-related disorder (PMID:34367232;29593476;7647778). A de novo occurrence of this variant has been observed in at least one affected individual (PMID:34367232;7647778). Functional studies have been reported (PMID:17509076). It is absent or not present at a significant frequency in gnomAD. In conclusion, we classify FGFR3 p.Ter807ArgextTer101 (c.2419T>A) as a pathogenic variant.

GeneDx
Classification: Pathogenic. Last evaluated: 2022-09-12. Review status: criteria provided, single submitter. Criteria: GeneDx Variant Classification Process June 2021. Collection method: clinical testing. Allele origin: germline. Affected: yes.
Comment: Published functional studies demonstrate this variant results in an extended protein which may have a damaging effect by causing a reduced level of glycosylated protein (Bonaventure et al., 2007; Gibbs et al., 2007); Variant resulting in loss of the termination codon leading to protein extension by 101 amino acids; Not observed at significant frequency in large population cohorts (gnomAD); Multiple other variants resulting in loss of termination codon and protein extension reported in association with thanatophoric dysplasia (HGMD); This variant is associated with the following publications: (PMID: 28254233, 17320202, 25614871, 20301540, 17509076, 25728633, 25800480, 34367232, 7647778)

Fulgent Genetics
Classification: Pathogenic for Achondroplasia; Malignant tumor of urinary bladder; Colorectal cancer; Hypochondroplasia; LADD syndrome 1; Epidermal nevus; Thanatophoric dysplasia type 1; Thanatophoric dysplasia, type 2; Germ cell tumor of testis; Muenke syndrome; Cervical cancer; Camptodactyly-tall stature-scoliosis-hearing loss syndrome; Crouzon syndrome-acanthosis nigricans syndrome; Severe achondroplasia-developmental delay-acanthosis nigricans syndrome. Last evaluated: 2021-12-07. Review status: criteria provided, single submitter. Criteria: ACMG Guidelines, 2015. Collection method: clinical testing. Allele origin: unknown.

OMIM
Classification: Pathogenic for THANATOPHORIC DYSPLASIA, TYPE I. Last evaluated: 1995-05-01. Review status: no assertion criteria provided. Collection method: literature only. Allele origin: germline. Not counted in ClinVar's aggregate classification.

GeneReviews
No classification provided. Condition: Thanatophoric dysplasia type 1. Review status: no classification provided. Collection method: literature only. Allele origin: unknown. Not counted in ClinVar's aggregate classification.

Literature cited by the submitters: PubMed 17320202 (cited by Genomenon, Inc); PubMed 17507011 (cited by Genomenon, Inc); PubMed 10 (cited by Genomenon, Inc); PubMed 17509076 (cited by Genomenon, Inc); PubMed 37875969 (cited by Genomenon, Inc); PubMed 34367232 (cited by Genomenon, Inc); PubMed 33942288 (cited by Genomenon, Inc); PubMed 31476288 (cited by Genomenon, Inc); PubMed 31299979 (cited by Genomenon, Inc); PubMed 21671381 (cited by Genomenon, Inc); PubMed 30692697 (cited by Genomenon, Inc); PubMed 29593476 (cited by Genomenon, Inc); PubMed 28254233 (cited by Genomenon, Inc); PubMed 8723101 (cited by Genomenon, Inc); PubMed 12210587 (cited by Genomenon, Inc); PubMed 12368206 (cited by Genomenon, Inc); PubMed 18923003 (cited by Genomenon, Inc); PubMed 19215249 (cited by Genomenon, Inc); PubMed 24863959 (cited by Genomenon, Inc); PubMed 25614871 (cited by Genomenon, Inc); PubMed 39357670 (cited by Genomenon, Inc); PubMed 25728633 (cited by Genomenon, Inc); PubMed 8845844 (cited by Genomenon, Inc); PubMed 30048571 (cited by Genomenon, Inc); PubMed 29542187 (cited by Genomenon, Inc); PubMed 16841094 (cited by Genomenon, Inc); PubMed 35793999 (cited by Genomenon, Inc); PubMed 34582081 (cited by Genomenon, Inc); PubMed 29068064 (cited by Genomenon, Inc); PubMed 9154000 (cited by Genomenon, Inc); PubMed 26003532 (cited by Genomenon, Inc); PubMed 27987249 (cited by Genomenon, Inc); PubMed 28249712 (cited by Genomenon, Inc); PubMed 9229114 (cited by Genomenon, Inc); PubMed 9076574 (cited by Genomenon, Inc); PubMed 19293680 (cited by Genomenon, Inc); PubMed 7573032 (cited by Genomenon, Inc); PubMed 14745970 (cited by Genomenon, Inc); PubMed 15769677 (cited by Genomenon, Inc); PubMed 9055906 (cited by Genomenon, Inc); PubMed 10425034 (cited by Genomenon, Inc); PubMed 10696568 (cited by Genomenon, Inc); PubMed 11181569 (cited by Genomenon, Inc); PubMed 11241532 (cited by Genomenon, Inc); PubMed 12357475 (cited by Genomenon, Inc); PubMed 17630040 (cited by Genomenon, Inc); PubMed 19066716 (cited by Genomenon, Inc); PubMed 19449430 (cited by Genomenon, Inc); PubMed 19752524 (cited by Genomenon, Inc); PubMed 22414243 (cited by Genomenon, Inc); PubMed 24075385 (cited by Genomenon, Inc); PubMed 25671245 (cited by Genomenon, Inc); PubMed 25800480 (cited by Genomenon, Inc); PubMed 14534538 (cited by Genomenon, Inc); PubMed 17103447 (cited by Genomenon, Inc); PubMed 9133360 (cited by Genomenon, Inc); PubMed 26224133 (cited by Genomenon, Inc); PubMed 22045636 (cited by Genomenon, Inc); PubMed 7647778 (cited by Genomenon, Inc and OMIM); PubMed 20301540 (cited by GeneReviews); NCBI Bookshelf NBK1366 (cited by GeneReviews).

NM_000142.5(FGFR3):c.2419T>A (p.Ter807Arg)

Gene: FGFR3 (fibroblast growth factor receptor 3; plus strand). Cytogenetic location: 4p16.3.
Variant type: single nucleotide variant.
Coding change: c.2419T>A on transcript NM_000142.5 (MANE Select); coding-DNA position 2419, T replaced by A.
Protein change: p.Ter807Arg.
Molecular consequence: stop lost. On other transcripts: missense variant (1), non-coding transcript variant (1).
Genome position (GRCh38, 1-based): chr4:1,807,260, T>A. VCF-style: chr4-1807260-T-A. GRCh37 (hg19) VCF-style: chr4-1808987-T-A.
Other names: *807R; *809R; *695R; *808R; c.2425T>A, p.Ter809Arg (NM_001163213.2); c.2422T>A, p.Ter808Arg (NM_001354809.2); c.2351T>A, p.Val784Glu (NM_001354810.2); c.2083T>A, p.Ter695Arg (NM_022965.4); short protein forms V784E.
Identifiers: ClinVar variation 16335 (VCV000016335.9), dbSNP rs121913101, ClinGen allele CA341404.